The following is an entry in ClinVar:

NM_001369369.1(FOXN1):c.1382G>T (p.Gly461Val)

Gene: FOXN1 (forkhead box N1; plus strand). Cytogenetic location: 17q11.2.
Variant type: single nucleotide variant.
Coding change: c.1382G>T on transcript NM_001369369.1 (MANE Select); coding-DNA position 1382, G replaced by T.
Protein change: p.Gly461Val; replaces glycine 461 with valine.
Molecular consequence: missense variant.
Genome position (GRCh38, 1-based): chr17:28,534,953, G>T. VCF-style: chr17-28534953-G-T. GRCh37 (hg19) VCF-style: chr17-26861971-G-T.
Other names: c.1382G>T, p.Gly461Val (NM_003593.3); short protein forms G461V.
Identifiers: ClinVar variation 1716982 (VCV001716982.6), dbSNP rs2070019260, ClinGen allele CA398326229.

ClinVar aggregate classification (germline): Uncertain significance (1 of 4 stars; one submission).

Conditions:
T-cell immunodeficiency, congenital alopecia, and nail dystrophy. Also called: Congenital alopecia and nail dystrophy associated with severe functional T-cell immunodeficiency; Pignata Guarino syndrome. Identifiers: Orphanet 169095, MedGen C1866426, MONDO:0011132, OMIM 601705.

Allele frequency attached by ClinVar (database versions not stated): TOPMed below 0.00001.

Submission:

Labcorp Genetics (formerly Invitae), Labcorp
Classification: Uncertain significance for T-cell immunodeficiency, congenital alopecia, and nail dystrophy. Last evaluated: 2024-10-26. Review status: criteria provided, single submitter. Criteria: Invitae Variant Classification Sherloc (09022015). Collection method: clinical testing. Allele origin: germline.
Comment: This sequence change replaces glycine, which is neutral and non-polar, with valine, which is neutral and non-polar, at codon 461 of the FOXN1 protein (p.Gly461Val). This variant is not present in population databases (gnomAD no frequency). This variant has not been reported in the literature in individuals affected with FOXN1-related conditions. ClinVar contains an entry for this variant (Variation ID: 1716982). Invitae Evidence Modeling of protein sequence and biophysical properties (such as structural, functional, and spatial information, amino acid conservation, physicochemical variation, residue mobility, and thermodynamic stability) indicates that this missense variant is not expected to disrupt FOXN1 protein function with a negative predictive value of 80%. In summary, the available evidence is currently insufficient to determine the role of this variant in disease. Therefore, it has been classified as a Variant of Uncertain Significance.